The following is an entry in ClinVar:

NM_006268.5(DPF2):c.616G>C (p.Asp206His)

Gene: DPF2 (double PHD fingers 2; plus strand). Cytogenetic location: 11q13.1.
Variant type: single nucleotide variant.
Coding change: c.616G>C on transcript NM_006268.5 (MANE Select); coding-DNA position 616, G replaced by C.
Protein change: p.Asp206His; replaces aspartic acid 206 with histidine.
Molecular consequence: missense variant.
Genome position (GRCh38, 1-based): chr11:65,344,048, G>C. VCF-style: chr11-65344048-G-C. GRCh37 (hg19) VCF-style: chr11-65111519-G-C.
Other names: c.616G>C, p.Asp206His (NM_001330308.2); short protein forms D206H.
Identifiers: ClinVar variation 3359672 (VCV003359672.1).

ClinVar aggregate classification (germline): Uncertain significance (1 of 4 stars; one submission).

gnomAD v4.1: 1 of 1,614,234 alleles (0.000062%); no homozygotes.

Submission:

GeneDx
Classification: Uncertain significance. Last evaluated: 2023-06-11. Review status: criteria provided, single submitter. Criteria: GeneDx Variant Classification Process June 2021. Collection method: clinical testing. Allele origin: germline. Affected: yes.
Comment: Not observed at significant frequency in large population cohorts (gnomAD); In silico analysis supports that this missense variant has a deleterious effect on protein structure/function; Has not been previously published as pathogenic or benign to our knowledge